The following is an entry in ClinVar:

ClinVar aggregate classification (germline): Pathogenic. Review status: criteria provided, multiple submitters, no conflicts (2 of 4 stars). 2 submissions from 2 submitters: Pathogenic (2). Last evaluated 2024-07-15.

Conditions:
Neuropathy, congenital hypomyelinating, 2. Identifiers: MedGen C4722277, MONDO:0020765, OMIM 618184.
Dejerine-Sottas disease. Also called: HMSN Type III; Hereditary motor and sensory neuropathy 3; Charcot-Marie-Tooth disease type 3; DEJERINE-SOTTAS NEUROPATHY; HEREDITARY MOTOR AND SENSORY NEUROPATHY TYPE III. Identifiers: Orphanet 64748, MedGen C0011195, MONDO:0007790, OMIM 145900.

Submissions (2):

3billion
Classification: Pathogenic for Neuropathy, congenital hypomyelinating, 2. Last evaluated: 2024-07-15. Review status: criteria provided, single submitter. Criteria: ACMG Guidelines, 2015. Collection method: clinical testing. Allele origin: germline. Affected: yes.
Comment: The variant is not observed in the gnomAD v4.0.0 dataset. Predicted Consequence/Location: Frameshift: predicted to result in a loss or disruption of normal protein function through nonsense-mediated decay (NMD) or protein truncation. Multiple pathogenic variants are reported downstream of the variant. The variant has been reported at least twice as pathogenic without evidence for the classification (ClinVar ID: VCV000488548). Therefore, this variant is classified as Pathogenic according to the recommendation of ACMG/AMP guideline.

Institute of Human Genetics Munich, TUM University Hospital
Classification: Pathogenic for Dejerine-Sottas disease. Last evaluated: 2017-11-08. Review status: criteria provided, single submitter. Criteria: Classification criteria August 2017. Collection method: clinical testing. Allele origin: de novo. Inheritance: Autosomal dominant inheritance. Affected: yes. Observed: 1 heterozygote.

NM_000530.8(MPZ):c.558del (p.Arg186fs)

Gene: MPZ (myelin protein zero; minus strand). Cytogenetic location: 1q23.3.
Variant type: Deletion.
Coding change: c.558del on transcript NM_000530.8 (MANE Select); coding-DNA position 558, one base deleted (G; older notation c.558delG).
Protein change: p.Arg186fs; shifts the reading frame from arginine 186.
Molecular consequence: frameshift variant.
Genome position (GRCh38, 1-based): chr1:161,306,355, C deleted on the plus strand (G on the coding strand, the reverse complement: MPZ is on the minus strand); the first of 2 consecutive C bases (chr1:161,306,355-161,306,356); deleting either gives the same sequence. VCF-style (leftmost placement, unchanged base first): chr1-161306354-GC-G. GRCh37 (hg19) VCF-style: chr1-161276144-GC-G.
Other names: c.558del, p.Arg186fs (NM_001315491.2); short protein forms R186fs.
Identifiers: ClinVar variation 488548 (VCV000488548.5), dbSNP rs1553259568, ClinGen allele CA658683167.